The following is an entry in ClinVar:

ClinVar aggregate classification (germline): Uncertain significance (1 of 4 stars; one submission).

Conditions:
Cone-rod dystrophy 6 (CORD6). Also called: RETINAL CONE DYSTROPHY 2; Cone dystrophy progressive. Identifiers: Orphanet 1872, MedGen C1866293, MONDO:0011143, OMIM 601777.
Leber congenital amaurosis 1 (LCA1). Also called: Congenital absence of the rods and cones; Leber's congenital tapetoretinal degeneration; Leber's congenital tapetoretinal dysplasia; RETINAL BLINDNESS, CONGENITAL; AMAUROSIS CONGENITA OF LEBER I. Identifiers: Orphanet 65, MedGen C2931258, MONDO:0008764, OMIM 204000.

Allele frequency attached by ClinVar (database versions not stated): ExAC 0.00001; gnomAD exomes 0.00001 and 0.00002.
gnomAD v4.1: 5 of 1,605,260 alleles (0.00031%); highest among the groups gnomAD compares: Admixed American, 0.0083%; no homozygotes.

Submission:

Labcorp Genetics (formerly Invitae), Labcorp
Classification: Uncertain significance for Leber congenital amaurosis 1; Cone-rod dystrophy 6. Last evaluated: 2022-10-13. Review status: criteria provided, single submitter. Criteria: Invitae Variant Classification Sherloc (09022015). Collection method: clinical testing. Allele origin: germline.
Comment: This variant has not been reported in the literature in individuals affected with GUCY2D-related conditions. In summary, the available evidence is currently insufficient to determine the role of this variant in disease. Therefore, it has been classified as a Variant of Uncertain Significance. Advanced modeling of protein sequence and biophysical properties (such as structural, functional, and spatial information, amino acid conservation, physicochemical variation, residue mobility, and thermodynamic stability) performed at Invitae indicates that this missense variant is not expected to disrupt GUCY2D protein function. ClinVar contains an entry for this variant (Variation ID: 1050925). This variant is present in population databases (rs770255396, gnomAD 0.009%). This sequence change replaces tryptophan, which is neutral and slightly polar, with cysteine, which is neutral and slightly polar, at codon 372 of the GUCY2D protein (p.Trp372Cys).

NM_000180.4(GUCY2D):c.1116G>T (p.Trp372Cys)

Gene: GUCY2D (guanylate cyclase 2D, retinal; plus strand). Cytogenetic location: 17p13.1.
Variant type: single nucleotide variant.
Coding change: c.1116G>T on transcript NM_000180.4 (MANE Select); coding-DNA position 1116, G replaced by T.
Protein change: p.Trp372Cys; replaces tryptophan 372 with cysteine.
Molecular consequence: missense variant.
Genome position (GRCh38, 1-based): chr17:8,006,452, G>T. VCF-style: chr17-8006452-G-T. GRCh37 (hg19) VCF-style: chr17-7909770-G-T.
Other names: short protein forms W372C.
Identifiers: ClinVar variation 1050925 (VCV001050925.9), dbSNP rs770255396, ClinGen allele CA8365655.